The following is an entry in ClinVar:

NM_001148.6(ANK2):c.5662G>A (p.Glu1888Lys)

Genes: ANK2 (ankyrin 2; plus strand), LOC126807136 (MED14-independent group 3 enhancer GRCh37_chr4:114274931-114276130; plus strand). Cytogenetic location: 4q26.
Variant type: single nucleotide variant.
Coding change: c.5662G>A on transcript NM_001148.6 (MANE Select); coding-DNA position 5662, G replaced by A.
Protein change: p.Glu1888Lys; replaces glutamic acid 1888 with lysine.
Molecular consequence: missense variant. On other transcripts: intron variant (68).
Genome position (GRCh38, 1-based): chr4:113,354,280, G>A. VCF-style: chr4-113354280-G-A. GRCh37 (hg19) VCF-style: chr4-114275436-G-A.
Other names: c.5428G>A, p.Glu1810Lys (NM_001386142.1); c.2062G>A, p.Glu688Lys (NM_001386166.1); c.5803G>A, p.Glu1935Lys (NM_001386174.1); c.5779G>A, p.Glu1927Lys (NM_001386175.1); c.4411+4031G>A (NM_001386186.2, NM_001386148.2); c.4213+4031G>A (NM_001354269.3); c.4291+4031G>A (NM_001386187.2); c.4252+4031G>A (NM_001386147.1); and 35 more; short protein forms E1810K, E1888K, E1935K, E1927K, E688K.
Identifiers: ClinVar variation 2790377 (VCV002790377.3), dbSNP rs1181214672, ClinGen allele CA357920775.

ClinVar aggregate classification (germline): Uncertain significance (1 of 4 stars; one submission).

Conditions:
Long QT syndrome (LQTS). Identifiers: MedGen C0023976, MeSH D008133, MONDO:0002442. Disease mechanism: loss of function. Inheritance: Various modes of inheritance.

Allele frequency attached by ClinVar (database versions not stated): gnomAD exomes below 0.00001.
gnomAD v4.1: 1 of 1,614,052 alleles (0.000062%); highest among the groups gnomAD compares: East Asian, 0.0022%; no homozygotes.

Submission:

Labcorp Genetics (formerly Invitae), Labcorp
Classification: Uncertain significance for Long QT syndrome. Last evaluated: 2023-08-01. Review status: criteria provided, single submitter. Criteria: Invitae Variant Classification Sherloc (09022015). Collection method: clinical testing. Allele origin: germline.
Comment: This variant has not been reported in the literature in individuals affected with ANK2-related conditions. This sequence change replaces glutamic acid, which is acidic and polar, with lysine, which is basic and polar, at codon 1888 of the ANK2 protein (p.Glu1888Lys). This variant is present in population databases (no rsID available, gnomAD 0.006%). An algorithm developed to predict the effect of missense changes on protein structure and function (PolyPhen-2) suggests that this variant is likely to be disruptive. In summary, the available evidence is currently insufficient to determine the role of this variant in disease. Therefore, it has been classified as a Variant of Uncertain Significance.